The following is an entry in ClinVar:

NM_000352.6(ABCC8):c.3926G>A (p.Gly1309Glu)

Gene: ABCC8 (ATP binding cassette subfamily C member 8; minus strand). Cytogenetic location: 11p15.1.
Variant type: single nucleotide variant.
Coding change: c.3926G>A on transcript NM_000352.6 (MANE Select); coding-DNA position 3926, G replaced by A.
Protein change: p.Gly1309Glu; replaces glycine 1309 with glutamic acid.
Molecular consequence: missense variant. On other transcripts: non-coding transcript variant (1).
Genome position (GRCh38, 1-based): chr11:17,397,255, C>T on the plus strand (G>A on the coding strand, the complement: ABCC8 is on the minus strand). VCF-style: chr11-17397255-C-T. GRCh37 (hg19) VCF-style: chr11-17418802-C-T.
Other names: c.3929G>A, p.Gly1310Glu (NM_001287174.3); c.3992G>A, p.Gly1331Glu (NM_001351295.2); c.3926G>A, p.Gly1309Glu (NM_001351296.2); c.3923G>A, p.Gly1308Glu (NM_001351297.2); c.3926G>A (NM_000352.4); short protein forms G1308E, G1309E, G1310E, G1331E.
Identifiers: ClinVar variation 1961048 (VCV001961048.7), dbSNP rs1564878341, ClinGen allele CA379792132.

ClinVar aggregate classification (germline): Uncertain significance. Review status: criteria provided, multiple submitters, no conflicts (2 of 4 stars). 2 submissions from 2 submitters: Uncertain significance (2). Last evaluated 2025-07-08.

Conditions:
ABCC8-related disorder.

Allele frequency attached by ClinVar (database versions not stated): TOPMed below 0.00001.

Submissions (2):

PreventionGenetics, part of Exact Sciences
Classification: Uncertain significance for ABCC8-related condition. Last evaluated: 2025-07-08. Review status: criteria provided, single submitter. Criteria: ACMG Guidelines, 2015. Collection method: clinical testing. Allele origin: germline.
Comment: The ABCC8 c.3926G>A variant is predicted to result in the amino acid substitution p.Gly1309Glu. To our knowledge, this variant has not been reported in the literature. This variant is reported in 0.00088% of alleles in individuals of European (non-Finnish) descent in gnomAD. At this time, the clinical significance of this variant is uncertain due to the absence of conclusive functional and genetic evidence.

Labcorp Genetics (formerly Invitae), Labcorp
Classification: Uncertain significance. Last evaluated: 2025-07-02. Review status: criteria provided, single submitter. Criteria: Invitae Variant Classification Sherloc (09022015). Collection method: clinical testing. Allele origin: germline.
Comment: This sequence change replaces glycine, which is neutral and non-polar, with glutamic acid, which is acidic and polar, at codon 1309 of the ABCC8 protein (p.Gly1309Glu). This variant is not present in population databases (gnomAD no frequency). This variant has not been reported in the literature in individuals affected with ABCC8-related conditions. ClinVar contains an entry for this variant (Variation ID: 1961048). Invitae Evidence Modeling of protein sequence and biophysical properties (such as structural, functional, and spatial information, amino acid conservation, physicochemical variation, residue mobility, and thermodynamic stability) has been performed for this missense variant. However, the output from this modeling did not meet the statistical confidence thresholds required to predict the impact of this variant on ABCC8 protein function. In summary, the available evidence is currently insufficient to determine the role of this variant in disease. Therefore, it has been classified as a Variant of Uncertain Significance.